The following is an entry in ClinVar:

NM_001164665.2(KIAA1549):c.778C>T (p.His260Tyr)

Gene: KIAA1549 (KIAA1549; minus strand). Cytogenetic location: 7q34.
Variant type: single nucleotide variant.
Coding change: c.778C>T on transcript NM_001164665.2 (MANE Select); coding-DNA position 778, C replaced by T.
Protein change: p.His260Tyr; replaces histidine 260 with tyrosine.
Molecular consequence: missense variant.
Genome position (GRCh38, 1-based): chr7:138,918,848, G>A on the plus strand (C>T on the coding strand, the complement: KIAA1549 is on the minus strand). VCF-style: chr7-138918848-G-A. GRCh37 (hg19) VCF-style: chr7-138603594-G-A.
Other names: c.778C>T, p.His260Tyr (NM_020910.3); short protein forms H260Y.
Identifiers: ClinVar variation 2062129 (VCV002062129.4), dbSNP rs770237102, ClinGen allele CA369401892.

ClinVar aggregate classification (germline): Uncertain significance (1 of 4 stars; one submission).

Submission:

Labcorp Genetics (formerly Invitae), Labcorp
Classification: Uncertain significance. Last evaluated: 2022-07-26. Review status: criteria provided, single submitter. Criteria: Invitae Variant Classification Sherloc (09022015). Collection method: clinical testing. Allele origin: germline.
Comment: In summary, the available evidence is currently insufficient to determine the role of this variant in disease. Therefore, it has been classified as a Variant of Uncertain Significance. Algorithms developed to predict the effect of missense changes on protein structure and function output the following: SIFT: "Deleterious"; PolyPhen-2: "Benign"; Align-GVGD: "Class C0". The tyrosine amino acid residue is found in multiple mammalian species, which suggests that this missense change does not adversely affect protein function. This variant has not been reported in the literature in individuals affected with KIAA1549-related conditions. This variant is not present in population databases (gnomAD no frequency). This sequence change replaces histidine, which is basic and polar, with tyrosine, which is neutral and polar, at codon 260 of the KIAA1549 protein (p.His260Tyr).